The following is an entry in ClinVar:

ClinVar aggregate classification (germline): Conflicting classifications of pathogenicity. Review status: criteria provided, conflicting classifications (1 of 4 stars). 8 submissions from 8 submitters: Uncertain significance (6); Likely benign (2). Last evaluated 2025-12-22.

Conditions:
Cardiovascular phenotype. Identifiers: MedGen CN230736.
Hypercholesterolemia, autosomal dominant, type B (FHCL2). Also called: APOLIPOPROTEIN B-100, FAMILIAL DEFECTIVE; APOLIPOPROTEIN B-100, FAMILIAL LIGAND-DEFECTIVE; HYPERCHOLESTEROLEMIA, FAMILIAL, DUE TO LIGAND-DEFECTIVE APOLIPOPROTEIN B; Familial Hypercholesterolemia Type B; Hyperlipoproteinemia Type IIb; APOB-Related Familial Hypercholesterolemia, Autosomal Dominant. Identifiers: MedGen C1704417, MONDO:0007751, OMIM 144010.
Familial hypobetalipoproteinemia 1. Also called: APOB-Related Familial Hypobetalipoproteinemia; Hypobetalipoproteinemia, normotriglyceridemic; Acanthocytosis with hypobetalipoproteinemia. Identifiers: MedGen C4551990, MONDO:0014252, OMIM 615558.

Allele frequency attached by ClinVar (database versions not stated): ExAC 0.00001; gnomAD exomes 0.00002; gnomAD 0.00003; TOPMed 0.00003.
gnomAD v4.1: 77 of 1,613,948 alleles (0.0048%); highest among the groups gnomAD compares: East Asian, 0.0089%; no homozygotes.

Submissions (8):

Ambry Genetics
Classification: Likely benign for Cardiovascular phenotype. Last evaluated: 2025-12-22. Review status: criteria provided, single submitter. Criteria: Ambry Variant Classification Scheme 2023. Collection method: clinical testing. Allele origin: germline.

Mayo Clinic Laboratories, Mayo Clinic
Classification: Uncertain significance. Last evaluated: 2025-06-20. Review status: criteria provided, single submitter. Criteria: ACMG Guidelines, 2015. Collection method: clinical testing. Allele origin: germline. Observed: 1 variant allele.
Comment: BP4_moderate

Labcorp Genetics (formerly Invitae), Labcorp
Classification: Likely benign for Familial hypobetalipoproteinemia 1; Hypercholesterolemia, autosomal dominant, type B. Last evaluated: 2025-04-23. Review status: criteria provided, single submitter. Criteria: Invitae Variant Classification Sherloc (09022015). Collection method: clinical testing. Allele origin: germline.

Molecular Diagnostic Laboratory for Inherited Cardiovascular Disease, Montreal Heart Institute
Classification: Uncertain significance for Cardiovascular phenotype. Last evaluated: 2025-04-09. Review status: criteria provided, single submitter. Criteria: ACMG Guidelines, 2015. Collection method: clinical testing. Allele origin: germline. Affected: yes.
Comment: PM2

Quest Diagnostics Nichols Institute San Juan Capistrano
Classification: Uncertain significance. Last evaluated: 2023-08-09. Review status: criteria provided, single submitter. Criteria: Quest Diagnostics criteria. Collection method: clinical testing. Allele origin: unknown.
Comment: In the published literature, this variant has been reported in affected individuals with coronary artery disease (PMIDs: 27932355 (2017) and 30526649 (2018)). The frequency of this variant in the general population, 0.000021 (6/282544 chromosomes (Genome Aggregation Database)), is uninformative in the assessment of its pathogenicity. Analysis of this variant using bioinformatics tools for the prediction of the effect of amino acid changes on protein structure and function yielded conflicting predictions that this variant is deleterious or benign. Based on the available information, we are unable to determine the clinical significance of this variant.

Fulgent Genetics
Classification: Uncertain significance for Hypercholesterolemia, autosomal dominant, type B; Familial hypobetalipoproteinemia 1. Last evaluated: 2021-08-06. Review status: criteria provided, single submitter. Criteria: ACMG Guidelines, 2015. Collection method: clinical testing. Allele origin: unknown.

Victorian Clinical Genetics Services, Murdoch Childrens Research Institute
Classification: Uncertain significance for Familial hypobetalipoproteinemia 1. Last evaluated: 2020-05-25. Review status: criteria provided, single submitter. Criteria: ACMG Guidelines, 2015. Collection method: clinical testing. Allele origin: germline.
Comment: Based on the classification scheme VCGS_Germline_v1.1.1, this variant is classified as VUS – 3C. Following criteria are met: 0102 - Loss-of-function is a known mechanism of disease for this gene. (N) 0108 - This gene is known to be associated with both recessive and dominant disease, however there is no clear distinction of how each occurs (PMID: 15308601). (N) 0112 - Variants in this gene are known to have reduced penetrance (GeneReviews). (N) 0200 - Variant is predicted to result in a missense amino acid change from arginine to glutamine (exon 26). (N) 0251 - Variant is heterozygous. (N) 0302 - Variant is present in gnomAD <0.001 for a dominant condition (6 heterozygotes, 0 homozygotes). (P) 0503 - Missense variant consistently predicted to be tolerated or not conserved in mammals with a minor amino acid change. (B) 0504 - Same amino acid change has been observed in mammals. (B) 0604 - Variant is not located in an established domain, motif, hotspot or informative constraint region. (N) 0705 - No comparable variants have previous evidence for pathogenicity. (N) 0804 - Variant has previously been described as a variant of uncertain significance (ClinVar), and as a potential mutation in a single patient with familial hypercholesterolemia. However it is not clear if this patient had additional mutations (PMID:27932355). (N) 0905 - No segregation evidence has been identified for this variant. (N) 1007 - No published functional evidence has been identified for this variant. (N) 1208 - Inheritance information for this variant is not currently available. (N) Legend: (P) - Pathogenic, (N) - Neutral, (B) - Benign

GeneDx
Classification: Uncertain significance. Last evaluated: 2016-04-06. Review status: criteria provided, single submitter. Criteria: GeneDx Variant Classification (06012015). Collection method: clinical testing. Allele origin: germline. Affected: yes.
Comment: The R2522Q variant in the APOB gene has not been reported previously as a pathogenic variant, nor as a benign variant, to our knowledge. The R2522Q variant was not observed in approximately 6,500 individuals of European and African American ancestry in the NHLBI Exome Sequencing Project, indicating it is not a common benign variant in these populations. The R2522Q variant is a semi-conservative amino acid substitution, which may impact secondary protein structure as these residues differ in some properties. This substitution occurs at a position that is not conserved. In silico analysis is inconsistent in its predictions as to whether or not the variant is damaging to the protein structure/function. We interpret R2522Q as a variant of uncertain significance.

Literature cited by the submitters: PubMed 27932355 (cited by 4 submitters); PubMed 30526649 (cited by 3 submitters); PubMed 15308601 (cited by Victorian Clinical Genetics Services, Murdoch Childrens Research Institute).

NM_000384.3(APOB):c.7565G>A (p.Arg2522Gln)

Gene: APOB (apolipoprotein B; minus strand). Cytogenetic location: 2p24.1.
Variant type: single nucleotide variant.
Coding change: c.7565G>A on transcript NM_000384.3 (MANE Select); coding-DNA position 7565, G replaced by A.
Protein change: p.Arg2522Gln; replaces arginine 2522 with glutamine.
Molecular consequence: missense variant.
Genome position (GRCh38, 1-based): chr2:21,009,303, C>T on the plus strand (G>A on the coding strand, the complement: APOB is on the minus strand). VCF-style: chr2-21009303-C-T. GRCh37 (hg19) VCF-style: chr2-21232175-C-T.
Other names: p.Arg2522Gln; short protein forms R2522Q.
Identifiers: ClinVar variation 385494 (VCV000385494.15), dbSNP rs781243278, ClinGen allele CA064517.
Genomic context (GRCh38, chr2:21,009,303, plus strand): 5'-ACCTGGCCTACCAGAGACAGGTATCGTTGAAGTTCCTGCTGAATGTCCATTTGATACATT[C>T]GGTCTCGTGTATCTTCTAGGGTCTCTCGGAATTTGGCCTTCATGTGAGCCAAAGATGCTG-3'
Protein context (NP_000375.3, residues 2512-2532): FRETLEDTRD[Arg2522Gln]MYQMDIQQEL